The following is an entry in ClinVar:

ClinVar aggregate classification (germline): Uncertain significance. Review status: reviewed by expert panel (3 of 4 stars). 2 submissions from 2 submitters: Uncertain significance (1). 1 of the submissions does not count toward it. Last evaluated 2024-02-19.

Conditions:
Hereditary antithrombin deficiency (AT3D). Also called: Antithrombin deficiency; Thrombophilia due to antithrombin III deficiency; Antithrombin III deficiency; Reduced antithrombin III activity. Identifiers: Orphanet 82, MedGen C0272375, MONDO:0013144, OMIM 613118, HP:0001976.

Submissions (2):

Clingen Thrombosis Variant Curation Expert Panel, ClinGen
Classification: Uncertain significance for Hereditary antithrombin deficiency. Last evaluated: 2024-02-19. Review status: reviewed by expert panel. Criteria: ClinGen ACMG Specifications SERPINC1 V1.0.0. Collection method: curation. Allele origin: germline. Inheritance: Autosomal dominant inheritance.
Comment: The c.1301T>G (NM_000488.4) variant in SERPINC1 is a missense variant predicted to cause substitution of phenylalanine by cystenine at amino acid 434 (p.Phe434Cys). This variant has been reported in 1 proband meeting an antithrombin activity level of < 0.8 IU/mL with repeat testing overtime (PS4_Supporting; PMID:1469094). This variant is absent from gnomAD v3.1.2 and v2.1.1 (PM2_Supporting). The computational predictor REVEL gives a score of 0.921, which is above the threshold of 0.6, evidence that correlates with impact to SERPINC1 function (PP3). Another missense variant c.1302C>A (p.Phe434Leu) (ClinVarID:2202884) in the same codon has been classified as likely pathogenic for autosomal dominant antithrombin III deficiency by the ClinGen Thrombosis VCEP (PM5_Supporting). In summary, this variant meets the criteria to be classified as uncertain significance due to insufficient evidence for autosomal dominant antithrombin III deficiency based on the ACMG/AMP criteria applied, as specified by the ClinGen Thrombosis VCEP: PP3, PM2, PM5, PS4_Supporting. (ClinGen Thrombosis Expert Panel Specifications to the ACMG/AMP Variant Interpretation Guidelines for SERPINC1 Version 1.0.0; date of approval)

NIHR Bioresource Rare Diseases, University of Cambridge
Classification: Uncertain significance for Hereditary antithrombin deficiency. Last evaluated: 2019-02-01. Review status: criteria provided, single submitter. Criteria: ACMG Guidelines, 2015. Collection method: research. Allele origin: unknown. Affected: yes. Observed: 1 heterozygote. Study: ThromboGenomics. Not counted in ClinVar's aggregate classification.

Literature cited by the submitters: PubMed 31064749 (cited by NIHR Bioresource Rare Diseases, University of Cambridge).

NM_000488.4(SERPINC1):c.1301T>G (p.Phe434Cys)

Gene: SERPINC1 (serpin family C member 1; minus strand). Cytogenetic location: 1q25.1.
Variant type: single nucleotide variant.
Coding change: c.1301T>G on transcript NM_000488.4 (MANE Select); coding-DNA position 1301, T replaced by G.
Protein change: p.Phe434Cys; replaces phenylalanine 434 with cysteine.
Molecular consequence: missense variant.
Genome position (GRCh38, 1-based): chr1:173,903,983, A>C on the plus strand (T>G on the coding strand, the complement: SERPINC1 is on the minus strand). VCF-style: chr1-173903983-A-C. GRCh37 (hg19) VCF-style: chr1-173873121-A-C.
Other names: NM_000488.4(SERPINC1):c.1301T>G; p.Phe434Cys; c.1157T>G, p.Phe386Cys (NM_001365052.2); c.1424T>G, p.Phe475Cys (NM_001386302.1); c.1382T>G, p.Phe461Cys (NM_001386303.1); c.1280T>G, p.Phe427Cys (NM_001386304.1); c.1244T>G, p.Phe415Cys (NM_001386305.1); c.1085T>G, p.Phe362Cys (NM_001386306.1); short protein forms F434C, F386C, F362C, F415C, F427C, F461C, F475C.
Identifiers: ClinVar variation 627224 (VCV000627224.3), dbSNP rs1572084546, ClinGen allele CA343772451.